The following is an entry in ClinVar:

ClinVar aggregate classification (germline): Uncertain significance. Review status: criteria provided, multiple submitters, no conflicts (2 of 4 stars). 3 submissions from 3 submitters: Uncertain significance (2). 1 of the submissions does not count toward it. Last evaluated 2023-10-02.

Conditions:
Autosomal recessive limb-girdle muscular dystrophy type 2E (LGMDR4). Also called: MUSCULAR DYSTROPHY, LIMB-GIRDLE, AUTOSOMAL RECESSIVE 4. Identifiers: Orphanet 119, MedGen C1858593, MONDO:0011423, OMIM 604286. Disease mechanism: Affects gamma-sarcoglycan and also disrupts the integrity of the entire sarcoglycan complex..

Allele frequency attached by ClinVar (database versions not stated): ExAC 0.00001; gnomAD 0.00001; TOPMed 0.00001; gnomAD exomes 0.00004.

Submissions (3):

Revvity Omics, Revvity
Classification: Uncertain significance for Autosomal recessive limb-girdle muscular dystrophy type 2E. Last evaluated: 2023-10-02. Review status: criteria provided, single submitter. Criteria: ACMG Guidelines, 2015. Collection method: clinical testing. Allele origin: germline.

Labcorp Genetics (formerly Invitae), Labcorp
Classification: Uncertain significance for Autosomal recessive limb-girdle muscular dystrophy type 2E. Last evaluated: 2022-03-01. Review status: criteria provided, single submitter. Criteria: Invitae Variant Classification Sherloc (09022015). Collection method: clinical testing. Allele origin: germline.
Comment: This sequence change replaces lysine, which is basic and polar, with glutamic acid, which is acidic and polar, at codon 124 of the SGCB protein (p.Lys124Glu). This variant is present in population databases (rs760596229, gnomAD 0.02%). This variant has not been reported in the literature in individuals affected with SGCB-related conditions. ClinVar contains an entry for this variant (Variation ID: 846386). Algorithms developed to predict the effect of missense changes on protein structure and function are either unavailable or do not agree on the potential impact of this missense change (SIFT: "Tolerated"; PolyPhen-2: "Possibly Damaging"; Align-GVGD: "Class C0"). In summary, the available evidence is currently insufficient to determine the role of this variant in disease. Therefore, it has been classified as a Variant of Uncertain Significance.

Natera, Inc.
Classification: Uncertain significance for Limb-girdle muscular dystrophy type 2E. Last evaluated: 2020-12-03. Review status: no assertion criteria provided. Collection method: clinical testing. Allele origin: germline. Not counted in ClinVar's aggregate classification.

NM_000232.5(SGCB):c.370A>G (p.Lys124Glu)

Gene: SGCB (sarcoglycan beta; minus strand). Cytogenetic location: 4q12.
Variant type: single nucleotide variant.
Coding change: c.370A>G on transcript NM_000232.5 (MANE Select); coding-DNA position 370, A replaced by G.
Protein change: p.Lys124Glu; replaces lysine 124 with glutamic acid.
Molecular consequence: missense variant.
Genome position (GRCh38, 1-based): chr4:52,029,737, T>C on the plus strand (A>G on the coding strand, the complement: SGCB is on the minus strand). VCF-style: chr4-52029737-T-C. GRCh37 (hg19) VCF-style: chr4-52895903-T-C.
Other names: short protein forms K124E.
Identifiers: ClinVar variation 846386 (VCV000846386.12), dbSNP rs760596229, ClinGen allele CA2918427.